The following is an entry in ClinVar:

NM_001277115.2(DNAH11):c.1794G>T (p.Met598Ile)

Gene: DNAH11 (dynein axonemal heavy chain 11; plus strand). Cytogenetic location: 7p15.3.
Variant type: single nucleotide variant.
Coding change: c.1794G>T on transcript NM_001277115.2 (MANE Select); coding-DNA position 1794, G replaced by T.
Protein change: p.Met598Ile; replaces methionine 598 with isoleucine.
Molecular consequence: missense variant.
Genome position (GRCh38, 1-based): chr7:21,588,147, G>T. VCF-style: chr7-21588147-G-T. GRCh37 (hg19) VCF-style: chr7-21627765-G-T.
Other names: short protein forms M598I.
Identifiers: ClinVar variation 910853 (VCV000910853.10), dbSNP rs573727689, ClinGen allele CA4179102.
Genomic context (GRCh38, chr7:21,588,147, plus strand): 5'-TCTAGAGAAGCCAGTTGTCATGGAAATTTTCAGCCTACATTACAGCACACTAGTGCATAT[G>T]TTTAATACAGAGCTGGATGTGTGTAAGCAACTGTATAATGAACACATGAAACAGGTAAGT-3'
Protein context (NP_001264044.1, residues 588-608): FSLHYSTLVH[Met598Ile]FNTELDVCKQ

ClinVar aggregate classification (germline): Conflicting classifications of pathogenicity. Review status: criteria provided, conflicting classifications (1 of 4 stars). 3 submissions from 3 submitters: Uncertain significance (2); Benign (1). Last evaluated 2024-02-06.

Conditions:
Primary ciliary dyskinesia. Also called: Ciliary dyskinesia. Identifiers: Orphanet 244, MedGen C0008780, MONDO:0016575, HP:0012265.
Primary ciliary dyskinesia 7. Also called: CILIARY DYSKINESIA, PRIMARY, 7, WITH OR WITHOUT SITUS INVERSUS. Identifiers: Orphanet 244, MedGen C2678473, MONDO:0012748, OMIM 611884.

Allele frequency attached by ClinVar (database versions not stated): ExAC 0.00002; gnomAD exomes 0.00002 and 0.00006; TOPMed 0.00002; gnomAD 0.00003; 1000 Genomes Project 30x 0.00016; 1000 Genomes Project 0.00020.
gnomAD v4.1: 96 of 1,613,396 alleles (0.006%); highest among the groups gnomAD compares: Non-Finnish European, 0.0078%; no homozygotes.

Submissions (3):

Labcorp Genetics (formerly Invitae), Labcorp
Classification: Benign for Primary ciliary dyskinesia. Last evaluated: 2024-02-06. Review status: criteria provided, single submitter. Criteria: Invitae Variant Classification Sherloc (09022015). Collection method: clinical testing. Allele origin: germline.

Ambry Genetics
Classification: Uncertain significance for Primary ciliary dyskinesia. Last evaluated: 2023-11-25. Review status: criteria provided, single submitter. Criteria: Ambry Variant Classification Scheme 2023. Collection method: clinical testing. Allele origin: germline.
Comment: The p.M598I variant (also known as c.1794G>T), located in coding exon 10 of the DNAH11 gene, results from a G to T substitution at nucleotide position 1794. The methionine at codon 598 is replaced by isoleucine, an amino acid with highly similar properties. This amino acid position is conserved. In addition, this alteration is predicted to be tolerated by in silico analysis. Since supporting evidence is limited at this time, the clinical significance of this alteration remains unclear.

Illumina Laboratory Services, Illumina
Classification: Uncertain significance for Primary ciliary dyskinesia 7. Last evaluated: 2018-01-13. Review status: criteria provided, single submitter. Criteria: ICSL Variant Classification Criteria 13 December 2019. Collection method: clinical testing. Allele origin: germline.